The following is an entry in ClinVar:

ClinVar aggregate classification (germline): Uncertain significance (1 of 4 stars; one submission).

Conditions:
Regional enteritis. Also called: Enteritis, Granulomatous. Identifiers: MedGen C0678202, MeSH D003424.
Blau syndrome (BLAUS). Also called: ARTHROCUTANEOUVEAL GRANULOMATOSIS; GRANULOMATOSIS, FAMILIAL JUVENILE SYSTEMIC; GRANULOMATOSIS, FAMILIAL, BLAU TYPE; GRANULOMATOUS INFLAMMATORY ARTHRITIS, DERMATITIS, AND UVEITIS, FAMILIAL; JABS SYNDROME. Identifiers: Orphanet 90340, MedGen C5201146, MONDO:0008523, OMIM 186580.

Submission:

Labcorp Genetics (formerly Invitae), Labcorp
Classification: Uncertain significance for Regional enteritis; Blau syndrome. Last evaluated: 2025-08-20. Review status: criteria provided, single submitter. Criteria: Invitae Variant Classification Sherloc (09022015). Collection method: clinical testing. Allele origin: germline.
Comment: This sequence change creates a premature translational stop signal (p.Leu206*) in the NOD2 gene. It is expected to result in an absent or disrupted protein product. However, the current clinical and genetic evidence is not sufficient to establish whether loss-of-function variants in NOD2 cause disease. This variant is not present in population databases (gnomAD no frequency). This variant has not been reported in the literature in individuals affected with NOD2-related conditions. In summary, the available evidence is currently insufficient to determine the role of this variant in disease. Therefore, it has been classified as a Variant of Uncertain Significance.

NM_001370466.1(NOD2):c.536T>G (p.Leu179Ter)

Gene: NOD2 (nucleotide binding oligomerization domain containing 2; plus strand). Cytogenetic location: 16q12.1.
Variant type: single nucleotide variant.
Coding change: c.536T>G on transcript NM_001370466.1 (MANE Select); coding-DNA position 536, T replaced by G.
Protein change: p.Leu179Ter; replaces leucine 179 with a stop codon.
Molecular consequence: nonsense. On other transcripts: non-coding transcript variant (1).
Genome position (GRCh38, 1-based): chr16:50,707,931, T>G. VCF-style: chr16-50707931-T-G. GRCh37 (hg19) VCF-style: chr16-50741842-T-G.
Other names: c.536T>G, p.Leu179Ter (NM_001293557.2); c.617T>G, p.Leu206Ter (NM_022162.3); short protein forms L206*, L179*.
Identifiers: ClinVar variation 4785879 (VCV004785879.1).